The following is an entry in ClinVar:

ClinVar aggregate classification (germline): Uncertain significance (1 of 4 stars; one submission).

Conditions:
Hidrotic ectodermal dysplasia syndrome (GJB6). Also called: Ectodermal dysplasia 2, hidrotic; Autosomal dominant hidrotic ectodermal dysplasia; Clouston syndrome; Clouston's hidrotic ectodermal dysplasia; Hidrotic ectodermal dysplasia; CLOUSTON HIDROTIC ECTODERMAL DYSPLASIA. Identifiers: Orphanet 189, MedGen C0162361, MONDO:0007510, OMIM 129500.
Autosomal recessive nonsyndromic hearing loss 1A (DFNB1A). Also called: GJB6-Related DFNB 1 Nonsyndromic Hearing Loss and Deafness; Deafness, autosomal recessive 1A; GJB2-Related Autosomal Recessive Nonsyndromic Hearing Loss; Nonsyndromic Hearing Loss and Deafness, DFNB1; Connexin 26 deafness; Deafness nonsyndromic, Connexin 26 linked. Identifiers: Orphanet 90636, MedGen C2673759, MONDO:0009076, OMIM 220290.
Autosomal recessive nonsyndromic hearing loss 1B. Also called: DEAFNESS, AUTOSOMAL RECESSIVE 1B. Identifiers: Orphanet 90636, MedGen C2675235, MONDO:0012977, OMIM 612645.
Autosomal dominant nonsyndromic hearing loss 3B. Identifiers: Orphanet 90635, MedGen C2675237, MONDO:0012975, OMIM 612643.

Submission:

Labcorp Genetics (formerly Invitae), Labcorp
Classification: Uncertain significance for Autosomal dominant nonsyndromic hearing loss 3B; Hidrotic ectodermal dysplasia syndrome; Autosomal recessive nonsyndromic hearing loss 1B; Autosomal recessive nonsyndromic hearing loss 1A. Last evaluated: 2017-12-31. Review status: criteria provided, single submitter. Criteria: Invitae Variant Classification Sherloc (09022015). Collection method: clinical testing. Allele origin: germline.
Comment: In summary, the available evidence is currently insufficient to determine the role of this variant in disease. Therefore, it has been classified as a Variant of Uncertain Significance. Algorithms developed to predict the effect of missense changes on protein structure and function (SIFT, PolyPhen-2, Align-GVGD) all suggest that this variant is likely to be tolerated, but these predictions have not been confirmed by published functional studies and their clinical significance is uncertain. This variant has not been reported in the literature in individuals with GJB6-related disease. This variant is not present in population databases (ExAC no frequency). This sequence change replaces isoleucine with valine at codon 118 of the GJB6 protein (p.Ile118Val). The isoleucine residue is weakly conserved and there is a small physicochemical difference between isoleucine and valine.

NM_001110219.3(GJB6):c.352A>G (p.Ile118Val)

Gene: GJB6 (gap junction protein beta 6; minus strand). Cytogenetic location: 13q12.11.
Variant type: single nucleotide variant.
Coding change: c.352A>G on transcript NM_001110219.3 (MANE Select); coding-DNA position 352, A replaced by G.
Protein change: p.Ile118Val; replaces isoleucine 118 with valine.
Molecular consequence: missense variant.
Genome position (GRCh38, 1-based): chr13:20,223,129, T>C on the plus strand (A>G on the coding strand, the complement: GJB6 is on the minus strand). VCF-style: chr13-20223129-T-C. GRCh37 (hg19) VCF-style: chr13-20797268-T-C.
Other names: c.352A>G, p.Ile118Val (NM_001110220.3, NM_001110221.3, NM_001370090.1 and 3 more transcripts); short protein forms I118V.
Identifiers: ClinVar variation 1043052 (VCV001043052.9), dbSNP rs1869317427, ClinGen allele CA387468300.
Genomic context (GRCh38, chr13:20,223,129, plus strand): 5'-TGGTGTACGTCCACCACAGCGACCCCTCTATCCGAACCTTCTGCTTTTTAATGTCCTCTA[T>C]GTCTTTGAAATCATTCCTCTTCTCTCCTCGCCTGAACTTGCGAGTGGTTTCGTGCCTGTA-3'
Protein context (NP_001103689.1, residues 108-128): RGEKRNDFKD[Ile118Val]EDIKKQKVRI